The following is an entry in ClinVar:

ClinVar aggregate classification (germline): Uncertain significance (1 of 4 stars; one submission).

Conditions:
COL4A2-related disorder. Also called: COL4A2-related disorders; COL4A2-related condition.

gnomAD v4.1: 12 of 1,612,728 alleles (0.00074%); highest among the groups gnomAD compares: African/African-American, 0.016%; no homozygotes.

Submission:

PreventionGenetics, part of Exact Sciences
Classification: Uncertain significance for COL4A2-related condition. Last evaluated: 2026-09-18. Review status: criteria provided, single submitter. Criteria: ACMG Guidelines, 2015. Collection method: clinical testing. Allele origin: germline.
Comment: The COL4A2 c.20C>T variant is predicted to result in the amino acid substitution p.Ala7Val. To our knowledge, this variant has not been reported in the literature. This variant is reported in 0.020% of alleles in individuals of African descent in gnomAD. At this time, the clinical significance of this variant is uncertain due to the absence of conclusive functional and genetic evidence.

NM_001846.4(COL4A2):c.20C>T (p.Ala7Val)

Gene: COL4A2 (collagen type IV alpha 2 chain; plus strand). Cytogenetic location: 13q34.
Variant type: single nucleotide variant.
Coding change: c.20C>T on transcript NM_001846.4 (MANE Select); coding-DNA position 20, C replaced by T.
Protein change: p.Ala7Val; replaces alanine 7 with valine.
Molecular consequence: missense variant.
Genome position (GRCh38, 1-based): chr13:110,307,923, C>T. VCF-style: chr13-110307923-C-T. GRCh37 (hg19) VCF-style: chr13-110960270-C-T.
Other names: short protein forms A7V.
Identifiers: ClinVar variation 4987423 (VCV004987423.1).